The following is an entry in ClinVar:

ClinVar aggregate classification (germline): Uncertain significance (1 of 4 stars; one submission).

Conditions:
Charcot-Marie-Tooth disease type 4. Also called: Charcot-Marie-Tooth, Type 4; Charcot-Marie-Tooth disease, type IV. Identifiers: Orphanet 64749, MedGen C4082197, MONDO:0018995.

Submission:

Labcorp Genetics (formerly Invitae), Labcorp
Classification: Uncertain significance for Charcot-Marie-Tooth disease type 4. Last evaluated: 2022-03-25. Review status: criteria provided, single submitter. Criteria: Invitae Variant Classification Sherloc (09022015). Collection method: clinical testing. Allele origin: germline.
Comment: In summary, the available evidence is currently insufficient to determine the role of this variant in disease. Therefore, it has been classified as a Variant of Uncertain Significance. Algorithms developed to predict the effect of missense changes on protein structure and function are either unavailable or do not agree on the potential impact of this missense change (SIFT: "Tolerated"; PolyPhen-2: "Possibly Damaging"; Align-GVGD: "Class C0"). This variant has not been reported in the literature in individuals affected with SBF2-related conditions. This variant is not present in population databases (gnomAD no frequency). This sequence change replaces asparagine, which is neutral and polar, with aspartic acid, which is acidic and polar, at codon 467 of the SBF2 protein (p.Asn467Asp).

NM_030962.4(SBF2):c.1399A>G (p.Asn467Asp)

Gene: SBF2 (SET binding factor 2; minus strand). Cytogenetic location: 11p15.4.
Variant type: single nucleotide variant.
Coding change: c.1399A>G on transcript NM_030962.4 (MANE Select); coding-DNA position 1399, A replaced by G.
Protein change: p.Asn467Asp; replaces asparagine 467 with aspartic acid.
Molecular consequence: missense variant.
Genome position (GRCh38, 1-based): chr11:9,968,542, T>C on the plus strand (A>G on the coding strand, the complement: SBF2 is on the minus strand). VCF-style: chr11-9968542-T-C. GRCh37 (hg19) VCF-style: chr11-9990089-T-C.
Other names: c.1399A>G, p.Asn467Asp (NM_001386339.1); c.1270A>G, p.Asn424Asp (NM_001386342.1); short protein forms N467D, N424D.
Identifiers: ClinVar variation 1972709 (VCV001972709.5), dbSNP rs2495919929, ClinGen allele CA379630764.